The following is an entry in ClinVar:

NM_001458.5(FLNC):c.3278G>A (p.Gly1093Asp)

Gene: FLNC (filamin C; plus strand). Cytogenetic location: 7q32.1.
Variant type: single nucleotide variant.
Coding change: c.3278G>A on transcript NM_001458.5 (MANE Select); coding-DNA position 3278, G replaced by A.
Protein change: p.Gly1093Asp; replaces glycine 1093 with aspartic acid.
Molecular consequence: missense variant.
Genome position (GRCh38, 1-based): chr7:128,844,743, G>A. VCF-style: chr7-128844743-G-A. GRCh37 (hg19) VCF-style: chr7-128484797-G-A.
Other names: c.3278G>A, p.Gly1093Asp (NM_001127487.2); short protein forms G1093D.
Identifiers: ClinVar variation 1047610 (VCV001047610.13), dbSNP rs1374868566, ClinGen allele CA369196358.

ClinVar aggregate classification (germline): Uncertain significance. Review status: criteria provided, multiple submitters, no conflicts (2 of 4 stars). 2 submissions from 2 submitters: Uncertain significance (2). Last evaluated 2025-03-05.

Conditions:
Cardiovascular phenotype. Identifiers: MedGen CN230736.
Myofibrillar myopathy 5. Also called: Filaminopathy (type); FILAMINOPATHY, AUTOSOMAL DOMINANT. Identifiers: Orphanet 171445, MedGen C1836050, MONDO:0012289, OMIM 609524.
Distal myopathy with posterior leg and anterior hand involvement. Also called: WILLIAMS DISTAL MYOPATHY. Identifiers: Orphanet 63273, MedGen C3279722, MONDO:0013550, OMIM 614065.
Hypertrophic cardiomyopathy 26. Also called: Cardiomyopathy, familial hypertrophic, 26. Identifiers: Orphanet 75249, MedGen C4310749, MONDO:0014883, OMIM 617047.

gnomAD v4.1: 1 of 1,613,950 alleles (0.000062%); highest among the groups gnomAD compares: Non-Finnish European, 0.000085%; no homozygotes.

Submissions (2):

Labcorp Genetics (formerly Invitae), Labcorp
Classification: Uncertain significance for Distal myopathy with posterior leg and anterior hand involvement; Myofibrillar myopathy 5; Hypertrophic cardiomyopathy 26. Last evaluated: 2025-03-05. Review status: criteria provided, single submitter. Criteria: Invitae Variant Classification Sherloc (09022015). Collection method: clinical testing. Allele origin: germline.
Comment: This sequence change replaces glycine, which is neutral and non-polar, with aspartic acid, which is acidic and polar, at codon 1093 of the FLNC protein (p.Gly1093Asp). This variant is not present in population databases (gnomAD no frequency). This variant has not been reported in the literature in individuals affected with FLNC-related conditions. ClinVar contains an entry for this variant (Variation ID: 1047610). Invitae Evidence Modeling of protein sequence and biophysical properties (such as structural, functional, and spatial information, amino acid conservation, physicochemical variation, residue mobility, and thermodynamic stability) has been performed for this missense variant. However, the output from this modeling did not meet the statistical confidence thresholds required to predict the impact of this variant on FLNC protein function. In summary, the available evidence is currently insufficient to determine the role of this variant in disease. Therefore, it has been classified as a Variant of Uncertain Significance.

Ambry Genetics
Classification: Uncertain significance for Cardiovascular phenotype. Last evaluated: 2021-08-19. Review status: criteria provided, single submitter. Criteria: Ambry Variant Classification Scheme 2023. Collection method: clinical testing. Allele origin: germline.
Comment: The p.G1093D variant (also known as c.3278G>A), located in coding exon 21 of the FLNC gene, results from a G to A substitution at nucleotide position 3278. The glycine at codon 1093 is replaced by aspartic acid, an amino acid with similar properties. This amino acid position is conserved. In addition, this alteration is predicted to be deleterious by in silico analysis. Since supporting evidence is limited at this time, the clinical significance of this alteration remains unclear.